The following is an entry in ClinVar:

ClinVar aggregate classification (germline): Likely benign (1 of 4 stars; one submission).

Submission:

GeneDx
Classification: Likely benign. Last evaluated: 2018-06-11. Review status: criteria provided, single submitter. Criteria: GeneDx Variant Classification (06012015). Collection method: clinical testing. Allele origin: germline. Affected: yes.
Comment: This variant is considered likely benign or benign based on one or more of the following criteria: it is a conservative change, it occurs at a poorly conserved position in the protein, it is predicted to be benign by multiple in silico algorithms, and/or has population frequency not consistent with disease.

NM_012233.3(RAB3GAP1):c.2313G>A (p.Gln771=)

Gene: RAB3GAP1 (RAB3 GTPase activating protein catalytic subunit 1; plus strand). Cytogenetic location: 2q21.3.
Variant type: single nucleotide variant.
Coding change: c.2313G>A on transcript NM_012233.3 (MANE Select); coding-DNA position 2313, G replaced by A.
Protein change: p.Gln771=; no amino-acid change (glutamine 771 retained).
Molecular consequence: synonymous variant.
Genome position (GRCh38, 1-based): chr2:135,162,578, G>A. VCF-style: chr2-135162578-G-A. GRCh37 (hg19) VCF-style: chr2-135920148-G-A.
Other names: c.2313G>A, p.Gln771= (NM_001172435.2).
Identifiers: ClinVar variation 681491 (VCV000681491.1), dbSNP rs1573612125, ClinGen allele CA348584755.